The following is an entry in ClinVar:

ClinVar aggregate classification (germline): Uncertain significance (1 of 4 stars; one submission).

Conditions:
Developmental and epileptic encephalopathy, 46 (DEE46). Also called: Epileptic encephalopathy, early infantile, 46; GRIN2D-Related Developmental and Epileptic Encephalopathy. Identifiers: MedGen C4310687, MONDO:0014947, OMIM 617162.

Submission:

3billion
Classification: Uncertain significance for Developmental and epileptic encephalopathy, 46. Last evaluated: 2025-10-22. Review status: criteria provided, single submitter. Criteria: ACMG Guidelines, 2015. Collection method: clinical testing. Allele origin: germline. Affected: yes.
Comment: The variant is not observed in the gnomAD v4.1.0 dataset. Predicted Consequence/Location: Missense variant. Missense changes are a common disease-causing mechanism. In silico tool predictions suggest damaging effect of the variant on gene or gene product [3Cnet: 0.98 (> 0.75, sensitivity 0.96 and precision 0.92)]. Different missense changes at the same codon have been reported as of uncertain significance (ClinVar ID: VCV002548250). Therefore, this variant is classified as VUS according to the recommendation of ACMG/AMP guideline.

NM_000836.4(GRIN2D):c.2117C>G (p.Pro706Arg)

Gene: GRIN2D (glutamate ionotropic receptor NMDA type subunit 2D; plus strand). Cytogenetic location: 19q13.33.
Variant type: single nucleotide variant.
Coding change: c.2117C>G on transcript NM_000836.4 (MANE Select); coding-DNA position 2117, C replaced by G.
Protein change: p.Pro706Arg; replaces proline 706 with arginine.
Molecular consequence: missense variant.
Genome position (GRCh38, 1-based): chr19:48,421,810, C>G. VCF-style: chr19-48421810-C-G. GRCh37 (hg19) VCF-style: chr19-48925067-C-G.
Other names: short protein forms P706R.
Identifiers: ClinVar variation 4856266 (VCV004856266.1).